The following is an entry in ClinVar:

NM_003055.3(SLC18A3):c.636T>C (p.Arg212=)

Genes: CHAT (choline O-acetyltransferase; plus strand), SLC18A3 (solute carrier family 18 member A3; plus strand). Cytogenetic location: 10q11.23.
Variant type: single nucleotide variant.
Coding change: c.636T>C on transcript NM_003055.3 (MANE Select); coding-DNA position 636, T replaced by C.
Protein change: p.Arg212=; no amino-acid change (arginine 212 retained).
Molecular consequence: synonymous variant. On other transcripts: intron variant (1).
Genome position (GRCh38, 1-based): chr10:49,611,376, T>C. VCF-style: chr10-49611376-T-C. GRCh37 (hg19) VCF-style: chr10-50819422-T-C.
Other names: p.Arg212=; c.-69+2177T>C (NM_020984.4).
Identifiers: ClinVar variation 790628 (VCV000790628.11), dbSNP rs8187727, ClinGen allele CA5496808.
Genomic context (GRCh38, chr10:49,611,376, plus strand): 5'-CGACACGTCTGGCATAGCCATGATCGCCGATAAGTACCCGGAGGAGCCGGAGCGCAGTCG[T>C]GCACTGGGCGTGGCGCTGGCCTTCATTAGCTTCGGAAGCCTAGTGGCCCCGCCCTTCGGG-3'
Protein context (NP_003046.2, residues 202-222): DKYPEEPERS[Arg212=]ALGVALAFIS

ClinVar aggregate classification (germline): Benign/Likely benign. Review status: criteria provided, multiple submitters, no conflicts (2 of 4 stars). 3 submissions from 3 submitters: Benign (2); Likely benign (1). Last evaluated 2026-01-06.

Allele frequency attached by ClinVar (database versions not stated): gnomAD 0.00491 and 0.00455; 1000 Genomes Project 0.00659; gnomAD exomes 0.00052 and 0.00130; ESP Exome Variant Server 0.00477; TOPMed 0.00540; 1000 Genomes Project 30x 0.00671; ExAC 0.00165.
gnomAD v4.1: 1,520 of 1,599,692 alleles (0.095%); highest among the groups gnomAD compares: African/African-American, 1.8%; 12 homozygotes.

Submissions (3):

Labcorp Genetics (formerly Invitae), Labcorp
Classification: Benign. Last evaluated: 2026-01-06. Review status: criteria provided, single submitter. Criteria: Invitae Variant Classification Sherloc (09022015). Collection method: clinical testing. Allele origin: germline.

Mayo Clinic Laboratories, Mayo Clinic
Classification: Benign. Last evaluated: 2025-06-10. Review status: criteria provided, single submitter. Criteria: ACMG Guidelines, 2015. Collection method: clinical testing. Allele origin: germline. Observed: 1 variant allele.
Comment: BS1, BS2, BP4, BP7

Blueprint Genetics
Classification: Likely benign. Last evaluated: 2024-11-01. Review status: criteria provided, single submitter. Criteria: ACMG Guidelines, 2015. Collection method: clinical testing. Allele origin: germline.